The following is an entry in ClinVar:

NM_020754.4(ARHGAP31):c.3293C>G (p.Pro1098Arg)

Gene: ARHGAP31 (Rho GTPase activating protein 31; plus strand). Cytogenetic location: 3q13.33.
Variant type: single nucleotide variant.
Coding change: c.3293C>G on transcript NM_020754.4 (MANE Select); coding-DNA position 3293, C replaced by G.
Protein change: p.Pro1098Arg; replaces proline 1098 with arginine.
Molecular consequence: missense variant.
Genome position (GRCh38, 1-based): chr3:119,415,222, C>G. VCF-style: chr3-119415222-C-G. GRCh37 (hg19) VCF-style: chr3-119134069-C-G.
Other names: short protein forms P1098R.
Identifiers: ClinVar variation 2826317 (VCV002826317.3), dbSNP rs2472877866, ClinGen allele CA354057669.

ClinVar aggregate classification (germline): Uncertain significance (1 of 4 stars; one submission).

Submission:

Labcorp Genetics (formerly Invitae), Labcorp
Classification: Uncertain significance. Last evaluated: 2023-03-22. Review status: criteria provided, single submitter. Criteria: Invitae Variant Classification Sherloc (09022015). Collection method: clinical testing. Allele origin: germline.
Comment: In summary, the available evidence is currently insufficient to determine the role of this variant in disease. Therefore, it has been classified as a Variant of Uncertain Significance. An algorithm developed to predict the effect of missense changes on protein structure and function (PolyPhen-2) suggests that this variant is likely to be tolerated. This variant has not been reported in the literature in individuals affected with ARHGAP31-related conditions. This variant is not present in population databases (gnomAD no frequency). This sequence change replaces proline, which is neutral and non-polar, with arginine, which is basic and polar, at codon 1098 of the ARHGAP31 protein (p.Pro1098Arg).